The following is an entry in ClinVar:

NM_000231.3(SGCG):c.485C>A (p.Thr162Lys)

Gene: SGCG (sarcoglycan gamma; plus strand). Cytogenetic location: 13q12.12.
Variant type: single nucleotide variant.
Coding change: c.485C>A on transcript NM_000231.3 (MANE Select); coding-DNA position 485, C replaced by A.
Protein change: p.Thr162Lys; replaces threonine 162 with lysine.
Molecular consequence: missense variant.
Genome position (GRCh38, 1-based): chr13:23,279,458, C>A. VCF-style: chr13-23279458-C-A. GRCh37 (hg19) VCF-style: chr13-23853597-C-A.
Other names: c.539C>A, p.Thr180Lys (NM_001378244.1); c.485C>A, p.Thr162Lys (NM_001378245.1, NM_001378246.1); short protein forms T180K, T162K.
Identifiers: ClinVar variation 935123 (VCV000935123.9), dbSNP rs770939408, ClinGen allele CA387504205.

ClinVar aggregate classification (germline): Uncertain significance. Review status: criteria provided, single submitter (1 of 4 stars). 2 submissions from 2 submitters: Uncertain significance (1). 1 of the submissions does not count toward it. Last evaluated 2021-08-13.

Conditions:
Autosomal recessive limb-girdle muscular dystrophy type 2C (LGMDR5). Also called: MUSCULAR DYSTROPHY, LIMB-GIRDLE, AUTOSOMAL RECESSIVE 5; MUSCULAR DYSTROPHY, DUCHENNE-LIKE. Identifiers: Orphanet 353, MedGen C0410173, MONDO:0009677, OMIM 253700. Disease mechanism: Affects gamma-sarcoglycan and also disrupts the integrity of the entire sarcoglycan complex..

gnomAD v4.1: 2 of 1,613,112 alleles (0.00012%); highest among the groups gnomAD compares: Non-Finnish European, 0.00017%; no homozygotes.

Submissions (2):

Labcorp Genetics (formerly Invitae), Labcorp
Classification: Uncertain significance for Autosomal recessive limb-girdle muscular dystrophy type 2C. Last evaluated: 2021-08-13. Review status: criteria provided, single submitter. Criteria: Invitae Variant Classification Sherloc (09022015). Collection method: clinical testing. Allele origin: germline.
Comment: This sequence change replaces threonine with lysine at codon 162 of the SGCG protein (p.Thr162Lys). The threonine residue is moderately conserved and there is a moderate physicochemical difference between threonine and lysine. This variant is not present in population databases (ExAC no frequency). This missense change has been observed in individual(s) with clinical features of SGCG-related conditions (Invitae). Algorithms developed to predict the effect of missense changes on protein structure and function (SIFT, PolyPhen-2, Align-GVGD) all suggest that this variant is likely to be tolerated. Algorithms developed to predict the effect of sequence changes on RNA splicing suggest that this variant may create or strengthen a splice site. In summary, the available evidence is currently insufficient to determine the role of this variant in disease. Therefore, it has been classified as a Variant of Uncertain Significance.

Natera, Inc.
Classification: Uncertain significance for Limb-girdle muscular dystrophy type 2C. Last evaluated: 2020-07-18. Review status: no assertion criteria provided. Collection method: clinical testing. Allele origin: germline. Not counted in ClinVar's aggregate classification.